The following is an entry in ClinVar:

NM_004482.4(GALNT3):c.1435C>T (p.Arg479Cys)

Gene: GALNT3 (polypeptide N-acetylgalactosaminyltransferase 3; minus strand). Cytogenetic location: 2q24.3.
Variant type: single nucleotide variant.
Coding change: c.1435C>T on transcript NM_004482.4 (MANE Select); coding-DNA position 1435, C replaced by T.
Protein change: p.Arg479Cys; replaces arginine 479 with cysteine.
Molecular consequence: missense variant.
Genome position (GRCh38, 1-based): chr2:165,755,021, G>A on the plus strand (C>T on the coding strand, the complement: GALNT3 is on the minus strand). VCF-style: chr2-165755021-G-A. GRCh37 (hg19) VCF-style: chr2-166611531-G-A.
Other names: short protein forms R479C.
Identifiers: ClinVar variation 1388040 (VCV001388040.7), dbSNP rs753199090, ClinGen allele CA1940946.

ClinVar aggregate classification (germline): Uncertain significance. Review status: criteria provided, multiple submitters, no conflicts (2 of 4 stars). 2 submissions from 2 submitters: Uncertain significance (2). Last evaluated 2024-06-25.

Conditions:
Tumoral calcinosis, hyperphosphatemic, familial, 1. Also called: HYPEROSTOSIS WITH HYPERPHOSPHATEMIA; HYPEROSTOSIS-HYPERPHOSPHATEMIA SYNDROME; CORTICAL HYPEROSTOSIS WITH HYPERPHOSPHATEMIA; CALCINOSIS, TUMORAL, WITH HYPERPHOSPHATEMIA; LIPOCALCINOGRANULOMATOSIS; MORBUS TEUTSCHLAENDER. Identifiers: Orphanet 53715, MedGen C4692564, MONDO:0100252, OMIM 211900.

Allele frequency attached by ClinVar (database versions not stated): gnomAD exomes 0.00002 and 0.00003; gnomAD 0.00003 and 0.00004; ExAC 0.00006; TOPMed 0.00006.
gnomAD v4.1: 35 of 1,611,406 alleles (0.0022%); highest among the groups gnomAD compares: African/African-American, 0.0053%; 1 homozygote.

Submissions (2):

Fulgent Genetics
Classification: Uncertain significance for Tumoral calcinosis, hyperphosphatemic, familial, 1. Last evaluated: 2024-06-25. Review status: criteria provided, single submitter. Criteria: ACMG Guidelines, 2015. Collection method: clinical testing. Allele origin: germline.

Labcorp Genetics (formerly Invitae), Labcorp
Classification: Uncertain significance. Last evaluated: 2024-06-03. Review status: criteria provided, single submitter. Criteria: Invitae Variant Classification Sherloc (09022015). Collection method: clinical testing. Allele origin: germline.
Comment: This sequence change replaces arginine, which is basic and polar, with cysteine, which is neutral and slightly polar, at codon 479 of the GALNT3 protein (p.Arg479Cys). This variant is present in population databases (rs753199090, gnomAD 0.01%). This variant has not been reported in the literature in individuals affected with GALNT3-related conditions. ClinVar contains an entry for this variant (Variation ID: 1388040). Advanced modeling of protein sequence and biophysical properties (such as structural, functional, and spatial information, amino acid conservation, physicochemical variation, residue mobility, and thermodynamic stability) has been performed at Invitae for this missense variant, however the output from this modeling did not meet the statistical confidence thresholds required to predict the impact of this variant on GALNT3 protein function. In summary, the available evidence is currently insufficient to determine the role of this variant in disease. Therefore, it has been classified as a Variant of Uncertain Significance.